The following is an entry in ClinVar:

ClinVar aggregate classification (germline): Conflicting classifications of pathogenicity. Review status: criteria provided, conflicting classifications (1 of 4 stars). 2 submissions from 2 submitters: Uncertain significance (1); Likely benign (1). Last evaluated 2025-11-09.

Conditions:
Hereditary cancer-predisposing syndrome. Also called: Neoplastic Syndromes, Hereditary; Hereditary neoplastic syndrome; Hereditary Cancer Syndrome; Tumor predisposition. Identifiers: Orphanet 140162, MedGen C0027672, MeSH D009386, MONDO:0015356.
Neuroblastoma, susceptibility to, 3. Also called: ALK-Related Neuroblastic Tumor Susceptibility. Identifiers: Orphanet 635, MedGen C2751681, MONDO:0013083, OMIM 613014.

Allele frequency attached by ClinVar (database versions not stated): gnomAD 0.00001; gnomAD exomes 0.00001 and below 0.00001; 1000 Genomes Project 30x 0.00016; 1000 Genomes Project 0.00020; ExAC 0.00001.
gnomAD v4.1: 9 of 1,612,766 alleles (0.00056%); highest among the groups gnomAD compares: African/African-American, 0.0013%; no homozygotes.

Submissions (2):

Labcorp Genetics (formerly Invitae), Labcorp
Classification: Likely benign for Neuroblastoma, susceptibility to, 3. Last evaluated: 2025-11-09. Review status: criteria provided, single submitter. Criteria: Invitae Variant Classification Sherloc (09022015). Collection method: clinical testing. Allele origin: germline.

Ambry Genetics
Classification: Uncertain significance for Hereditary cancer-predisposing syndrome. Last evaluated: 2025-08-01. Review status: criteria provided, single submitter. Criteria: Ambry Variant Classification Scheme 2023. Collection method: clinical testing. Allele origin: germline.
Comment: The c.2816-5C>T intronic variant results from a C to T substitution 5 nucleotides upstream from coding exon 17 in the ALK gene. This nucleotide position is not well conserved in available vertebrate species. In silico splice site analysis predicts that this alteration will not have any significant effect on splicing. Based on the available evidence, the clinical significance of this variant remains unclear.

NM_004304.5(ALK):c.2816-5C>T

Gene: ALK (ALK receptor tyrosine kinase; minus strand). Cytogenetic location: 2p23.2.
Variant type: single nucleotide variant.
Coding change: c.2816-5C>T on transcript NM_004304.5 (MANE Select); 5 bases into the intron before coding-DNA position 2816, C replaced by T.
Molecular consequence: intron variant.
Genome position (GRCh38, 1-based): chr2:29,227,677, G>A on the plus strand (C>T on the coding strand, the complement: ALK is on the minus strand). VCF-style: chr2-29227677-G-A. GRCh37 (hg19) VCF-style: chr2-29450543-G-A.
Other names: c.2816-5C>T (NM_004304.4).
Identifiers: ClinVar variation 1080198 (VCV001080198.11), dbSNP rs532808222, ClinGen allele CA1594171.
Genomic context (GRCh38, chr2:29,227,677, plus strand): 5'-GGAAACCCCATCTTCCCCATCCATTTCGGGGTCATTGTTTGAGGCTGCATTGCCGCCTGA[G>A]TAGCAAACCAGAGCAGAGTTTAACATGGGGGGTGGGTGCCAAAATCTTAACACACACACA-3'